The following is an entry in ClinVar:

ClinVar aggregate classification (germline): Conflicting classifications of pathogenicity. Review status: criteria provided, conflicting classifications (1 of 4 stars). 5 submissions from 5 submitters: Likely pathogenic (3); Uncertain significance (2). Last evaluated 2025-11-27.

Conditions:
SEC23B-related disorder. Also called: SEC23B-related disorders; SEC23B-related condition.
Congenital dyserythropoietic anemia, type II (CDAN2). Also called: DYSERYTHROPOIETIC ANEMIA, HEMPAS TYPE. Identifiers: Orphanet 98873, MedGen C1306589, MONDO:0009134, OMIM 224100.
Cowden syndrome 7 (CWS7). Identifiers: Orphanet 201, MedGen C4225179, MONDO:0014802, OMIM 616858.

Allele frequency attached by ClinVar (database versions not stated): ExAC 0.00002; gnomAD 0.00002; TOPMed 0.00003; gnomAD exomes 0.00011.
gnomAD v4.1: 162 of 1,603,110 alleles (0.01%); highest among the groups gnomAD compares: Non-Finnish European, 0.014%; no homozygotes.

Submissions (6):

Labcorp Genetics (formerly Invitae), Labcorp
Classification: Likely pathogenic for Congenital dyserythropoietic anemia, type II; Cowden syndrome 7. Last evaluated: 2025-11-27. Review status: criteria provided, single submitter. Criteria: Invitae Variant Classification Sherloc (09022015). Collection method: clinical testing. Allele origin: germline.
Comment: This sequence change replaces cysteine, which is neutral and slightly polar, with tyrosine, which is neutral and polar, at codon 74 of the SEC23B protein (p.Cys74Tyr). This variant also falls at the last nucleotide of exon 2, which is part of the consensus splice site for this exon. This variant is present in population databases (rs200152499, gnomAD 0.009%). This missense change has been observed in individual(s) with congenital dyserythropoietic anemia type II (PMID: 23453696). In at least one individual the data is consistent with being in trans (on the opposite chromosome) from a pathogenic variant. ClinVar contains an entry for this variant (Variation ID: 2435797). Invitae Evidence Modeling of protein sequence and biophysical properties (such as structural, functional, and spatial information, amino acid conservation, physicochemical variation, residue mobility, and thermodynamic stability) indicates that this missense variant is expected to disrupt SEC23B protein function with a positive predictive value of 95%. Studies have shown that this missense change alters SEC23B gene expression (PMID: 23453696). Variants that disrupt the consensus splice site are a relatively common cause of aberrant splicing (PMID: 17576681, 9536098). Algorithms developed to predict the effect of sequence changes on RNA splicing suggest that this variant may disrupt the consensus splice site. In summary, the currently available evidence indicates that the variant is pathogenic, but additional data are needed to prove that conclusively. Therefore, this variant has been classified as Likely Pathogenic.

Revvity Omics, Revvity
Classification: Uncertain significance. Last evaluated: 2025-07-25. Review status: criteria provided, single submitter. Criteria: ACMG Guidelines, 2015. Collection method: clinical testing. Allele origin: germline.

Mayo Clinic Laboratories, Mayo Clinic
Classification: Uncertain significance. Last evaluated: 2024-06-03. Review status: criteria provided, single submitter. Criteria: ACMG Guidelines, 2015. Collection method: clinical testing. Allele origin: germline. Observed: 1 variant allele.
Comment: PP3, PM2_moderate, PM3_supporting

Fulgent Genetics
Classification: Likely pathogenic for Congenital dyserythropoietic anemia, type II; Cowden syndrome 7. Last evaluated: 2024-05-16. Review status: criteria provided, single submitter. Criteria: ACMG Guidelines, 2015. Collection method: clinical testing. Allele origin: germline.

Blueprint Genetics
Classification: Likely pathogenic for SEC23B-related disorders. Last evaluated: 2024-05-14. Review status: criteria provided, single submitter. Criteria: ACMG Guidelines, 2015. Collection method: clinical testing. Allele origin: germline. Affected: yes. Observed: 3 variant alleles.

Dr. Peter K. Rogan Lab, Western University
No classification provided (evidence only). Condition: Melanoma. Review status: no classification provided. Collection method: in vitro. Allele origin: not applicable. Functional consequence: retained intron. Not counted in ClinVar's aggregate classification.

Literature cited by the submitters: PubMed 23453696 (cited by Labcorp Genetics (formerly Invitae), Labcorp and Mayo Clinic Laboratories, Mayo Clinic); PubMed 17576681 (cited by Labcorp Genetics (formerly Invitae), Labcorp); PubMed 9536098 (cited by Labcorp Genetics (formerly Invitae), Labcorp); PubMed 34662886 (cited by Mayo Clinic Laboratories, Mayo Clinic).

NM_006363.6(SEC23B):c.221G>A (p.Cys74Tyr)

Gene: SEC23B (SEC23 homolog B, COPII component; plus strand). Cytogenetic location: 20p11.23.
Variant type: single nucleotide variant.
Coding change: c.221G>A on transcript NM_006363.6 (MANE Select); coding-DNA position 221, G replaced by A.
Protein change: p.Cys74Tyr; replaces cysteine 74 with tyrosine.
Molecular consequence: missense variant.
Genome position (GRCh38, 1-based): chr20:18,511,056, G>A. VCF-style: chr20-18511056-G-A. GRCh37 (hg19) VCF-style: chr20-18491700-G-A.
Other names: p.Cys74Tyr; c.221G>A, p.Cys74Tyr (NM_001172745.3, NM_001172746.3, NM_032985.6 and 1 more transcripts); short protein forms C74Y.
Identifiers: ClinVar variation 2435797 (VCV002435797.10), dbSNP rs200152499, ClinGen allele CA9777948.